The following is an entry in ClinVar:

ClinVar aggregate classification (germline): Pathogenic (1 of 4 stars; one submission).

Submission:

Labcorp Genetics (formerly Invitae), Labcorp
Classification: Pathogenic. Last evaluated: 2023-02-17. Review status: criteria provided, single submitter. Criteria: Invitae Variant Classification Sherloc (09022015). Collection method: clinical testing. Allele origin: germline.
Comment: This sequence change creates a premature translational stop signal (p.Thr994Asnfs*26) in the COL4A4 gene. It is expected to result in an absent or disrupted protein product. Loss-of-function variants in COL4A4 are known to be pathogenic (PMID: 21196518, 24854265, 25307543). This variant is not present in population databases (gnomAD no frequency). This variant has not been reported in the literature in individuals affected with COL4A4-related conditions. For these reasons, this variant has been classified as Pathogenic.

Literature cited by the submitters: PubMed 21196518; PubMed 24854265; PubMed 25307543.

NM_000092.5(COL4A4):c.2980dup (p.Thr994fs)

Gene: COL4A4 (collagen type IV alpha 4 chain; minus strand). Cytogenetic location: 2q36.3.
Variant type: Duplication.
Coding change: c.2980dup on transcript NM_000092.5 (MANE Select); coding-DNA position 2980, one base duplicated (A; older notation c.2980dupA).
Protein change: p.Thr994fs; shifts the reading frame from threonine 994.
Molecular consequence: frameshift variant.
Genome position (GRCh38, 1-based): chr2:227,051,147, T duplicated on the plus strand (A on the coding strand, the reverse complement: COL4A4 is on the minus strand); the first of 2 consecutive T bases (chr2:227,051,147-227,051,148); duplicating either gives the same sequence. VCF-style (leftmost placement, unchanged base first): chr2-227051146-G-GT. GRCh37 (hg19) VCF-style: chr2-227915862-G-GT.
Other names: short protein forms T994fs.
Identifiers: ClinVar variation 2838549 (VCV002838549.3), dbSNP rs2473975739, ClinGen allele CA2739278183.
Genomic context (GRCh38, chr2:227,051,146, plus strand): 5'-CTGTGAAATCCAGGTGGTCCGTATCTTCCCGGCTCTCCTCTTCTCCCTTGCATCCCGGGA[G>GT]TTCCTTTATCACCTGATGAAGTTGGAAGTGTTACAGGTCTCTGCTGAAATTTTGAGCTAG-3'